The following is an entry in ClinVar:

NM_000321.3(RB1):c.382G>A (p.Val128Ile)

Gene: RB1 (RB transcriptional corepressor 1; plus strand). Cytogenetic location: 13q14.2.
Variant type: single nucleotide variant.
Coding change: c.382G>A on transcript NM_000321.3 (MANE Select); coding-DNA position 382, G replaced by A.
Protein change: p.Val128Ile; replaces valine 128 with isoleucine.
Molecular consequence: missense variant.
Genome position (GRCh38, 1-based): chr13:48,345,081, G>A. VCF-style: chr13-48345081-G-A. GRCh37 (hg19) VCF-style: chr13-48919217-G-A.
Other names: c.382G>A, p.Val128Ile (NM_001407165.1, NM_001407166.1); short protein forms V128I.
Identifiers: ClinVar variation 1735339 (VCV001735339.3), dbSNP rs1952480074, ClinGen allele CA388252591.

ClinVar aggregate classification (germline): Uncertain significance (1 of 4 stars; one submission).

Conditions:
Hereditary cancer-predisposing syndrome. Also called: Neoplastic Syndromes, Hereditary; Tumor predisposition; Hereditary Cancer Syndrome; Hereditary neoplastic syndrome. Identifiers: Orphanet 140162, MedGen C0027672, MeSH D009386, MONDO:0015356.

Submission:

Ambry Genetics
Classification: Uncertain significance for Hereditary cancer-predisposing syndrome. Last evaluated: 2023-08-14. Review status: criteria provided, single submitter. Criteria: Ambry Variant Classification Scheme 2023. Collection method: clinical testing. Allele origin: germline.
Comment: The p.V128I variant (also known as c.382G>A), located in coding exon 4 of the RB1 gene, results from a G to A substitution at nucleotide position 382. The valine at codon 128 is replaced by isoleucine, an amino acid with highly similar properties. This amino acid position is highly conserved in available vertebrate species. In addition, this alteration is predicted to be tolerated by in silico analysis. Since supporting evidence is limited at this time, the clinical significance of this alteration remains unclear.